The following is an entry in ClinVar:

ClinVar aggregate classification (germline): Uncertain significance (1 of 4 stars; one submission).

Allele frequency attached by ClinVar (database versions not stated): gnomAD 0.00002; TOPMed 0.00002.
gnomAD v4.1: 9 of 1,550,968 alleles (0.00058%); highest among the groups gnomAD compares: Non-Finnish European, 0.00078%; no homozygotes.

Submission:

Labcorp Genetics (formerly Invitae), Labcorp
Classification: Uncertain significance. Last evaluated: 2021-08-31. Review status: criteria provided, single submitter. Criteria: Invitae Variant Classification Sherloc (09022015). Collection method: clinical testing. Allele origin: germline.
Comment: This sequence change replaces proline with arginine at codon 1353 of the CARMIL2 protein (p.Pro1353Arg). The proline residue is weakly conserved and there is a moderate physicochemical difference between proline and arginine. This variant is not present in population databases (ExAC no frequency). This variant has not been reported in the literature in individuals affected with CARMIL2-related conditions. Algorithms developed to predict the effect of missense changes on protein structure and function are either unavailable or do not agree on the potential impact of this missense change (SIFT: "Deleterious"; PolyPhen-2: "Probably Damaging"; Align-GVGD: "Class C0"). In summary, the available evidence is currently insufficient to determine the role of this variant in disease. Therefore, it has been classified as a Variant of Uncertain Significance.

NM_001013838.3(CARMIL2):c.4058C>G (p.Pro1353Arg)

Gene: CARMIL2 (capping protein regulator and myosin 1 linker 2; plus strand). Cytogenetic location: 16q22.1.
Variant type: single nucleotide variant.
Coding change: c.4058C>G on transcript NM_001013838.3 (MANE Select); coding-DNA position 4058, C replaced by G.
Protein change: p.Pro1353Arg; replaces proline 1353 with arginine.
Molecular consequence: missense variant. On other transcripts: intron variant (1).
Genome position (GRCh38, 1-based): chr16:67,656,822, C>G. VCF-style: chr16-67656822-C-G. GRCh37 (hg19) VCF-style: chr16-67690725-C-G.
Other names: c.3928+177C>G (NM_001317026.3); short protein forms P1353R.
Identifiers: ClinVar variation 1481356 (VCV001481356.5), dbSNP rs769313459, ClinGen allele CA283214267.